The following is an entry in ClinVar:

ClinVar aggregate classification (germline): Uncertain significance (1 of 4 stars; one submission).

Conditions:
Spastic paraplegia. Identifiers: MedGen C0037772, HP:0001258.

Submission:

Labcorp Genetics (formerly Invitae), Labcorp
Classification: Uncertain significance for Spastic paraplegia. Last evaluated: 2024-06-20. Review status: criteria provided, single submitter. Criteria: Invitae Variant Classification Sherloc (09022015). Collection method: clinical testing. Allele origin: germline.
Comment: This sequence change replaces alanine, which is neutral and non-polar, with valine, which is neutral and non-polar, at codon 148 of the SLC16A2 protein (p.Ala148Val). This variant is not present in population databases (gnomAD no frequency). This variant has not been reported in the literature in individuals affected with SLC16A2-related conditions. Advanced modeling of protein sequence and biophysical properties (such as structural, functional, and spatial information, amino acid conservation, physicochemical variation, residue mobility, and thermodynamic stability) has been performed at Invitae for this missense variant, however the output from this modeling did not meet the statistical confidence thresholds required to predict the impact of this variant on SLC16A2 protein function. In summary, the available evidence is currently insufficient to determine the role of this variant in disease. Therefore, it has been classified as a Variant of Uncertain Significance.

NM_006517.5(SLC16A2):c.443C>T (p.Ala148Val)

Gene: SLC16A2 (solute carrier family 16 member 2; plus strand). Cytogenetic location: Xq13.2.
Variant type: single nucleotide variant.
Coding change: c.443C>T on transcript NM_006517.5 (MANE Select); coding-DNA position 443, C replaced by T.
Protein change: p.Ala148Val; replaces alanine 148 with valine.
Molecular consequence: missense variant.
Genome position (GRCh38, 1-based): chrX:74,521,002, C>T. VCF-style: chrX-74521002-C-T. GRCh37 (hg19) VCF-style: chrX-73740837-C-T.
Other names: short protein forms A148V.
Identifiers: ClinVar variation 3657140 (VCV003657140.2).